The following is an entry in ClinVar:

ClinVar aggregate classification (germline): Uncertain significance (1 of 4 stars; one submission).

Conditions:
ROCK2-related disorder. Also called: ROCK2-related condition.

Submission:

PreventionGenetics, part of Exact Sciences
Classification: Uncertain significance for ROCK2-related condition. Last evaluated: 2023-10-03. Review status: criteria provided, single submitter. Criteria: ACMG Guidelines, 2015. Collection method: clinical testing. Allele origin: germline.
Comment: The ROCK2 c.2830A>T variant is predicted to result in the amino acid substitution p.Ile944Phe. To our knowledge, this variant has not been reported in the literature or in a large population database, indicating this variant is rare. At this time, the clinical significance of this variant is uncertain due to the absence of conclusive functional and genetic evidence.

NM_004850.5(ROCK2):c.2830A>T (p.Ile944Phe)

Gene: ROCK2 (Rho associated coiled-coil containing protein kinase 2; minus strand). Cytogenetic location: 2p25.1.
Variant type: single nucleotide variant.
Coding change: c.2830A>T on transcript NM_004850.5 (MANE Select); coding-DNA position 2830, A replaced by T.
Protein change: p.Ile944Phe; replaces isoleucine 944 with phenylalanine.
Molecular consequence: missense variant.
Genome position (GRCh38, 1-based): chr2:11,201,037, T>A on the plus strand (A>T on the coding strand, the complement: ROCK2 is on the minus strand). VCF-style: chr2-11201037-T-A. GRCh37 (hg19) VCF-style: chr2-11341163-T-A.
Other names: c.2572A>T, p.Ile858Phe (NM_001321643.2); short protein forms I858F, I944F.
Identifiers: ClinVar variation 2633977 (VCV002633977.1), dbSNP rs2527779793, ClinGen allele CA345827717.